The following is an entry in ClinVar:

ClinVar aggregate classification (germline): Uncertain significance (1 of 4 stars; one submission).

Conditions:
Mucopolysaccharidosis, MPS-III-A (MPS3A). Also called: HEPARAN SULFATE SULFATASE DEFICIENCY; SANFILIPPO SYNDROME A; SULFAMIDASE DEFICIENCY; MPS III A; Mucopolysaccharidosis, type IIIA; MUCOPOLYSACCHARIDOSIS, TYPE IIIA, ATTENUATED. Identifiers: Orphanet 581, Orphanet 79269, MedGen C0086647, MONDO:0009655, OMIM 252900.

gnomAD v4.1: 3 of 1,613,386 alleles (0.00019%); highest among the groups gnomAD compares: Non-Finnish European, 0.00025%; no homozygotes.

Submission:

Labcorp Genetics (formerly Invitae), Labcorp
Classification: Uncertain significance for Mucopolysaccharidosis, MPS-III-A. Last evaluated: 2022-05-03. Review status: criteria provided, single submitter. Criteria: Invitae Variant Classification Sherloc (09022015). Collection method: clinical testing. Allele origin: germline.
Comment: This variant has not been reported in the literature in individuals affected with SGSH-related conditions. This variant is not present in population databases (gnomAD no frequency). This sequence change replaces arginine, which is basic and polar, with leucine, which is neutral and non-polar, at codon 160 of the SGSH protein (p.Arg160Leu). Algorithms developed to predict the effect of missense changes on protein structure and function are either unavailable or do not agree on the potential impact of this missense change (SIFT: "Deleterious"; PolyPhen-2: "Possibly Damaging"; Align-GVGD: "Class C0"). In summary, the available evidence is currently insufficient to determine the role of this variant in disease. Therefore, it has been classified as a Variant of Uncertain Significance.

NM_000199.5(SGSH):c.479G>T (p.Arg160Leu)

Gene: SGSH (N-sulfoglucosamine sulfohydrolase; minus strand). Cytogenetic location: 17q25.3.
Variant type: single nucleotide variant.
Coding change: c.479G>T on transcript NM_000199.5 (MANE Select); coding-DNA position 479, G replaced by T.
Protein change: p.Arg160Leu; replaces arginine 160 with leucine.
Molecular consequence: missense variant. On other transcripts: non-coding transcript variant (1).
Genome position (GRCh38, 1-based): chr17:80,214,642, C>A on the plus strand (G>T on the coding strand, the complement: SGSH is on the minus strand). VCF-style: chr17-80214642-C-A. GRCh37 (hg19) VCF-style: chr17-78188441-C-A.
Other names: c.479G>T, p.Arg160Leu (NM_001352921.3, NM_001352922.2); short protein forms R160L.
Identifiers: ClinVar variation 2129511 (VCV002129511.4), dbSNP rs767224326, ClinGen allele CA401362583.
Genomic context (GRCh38, chr17:80,214,642, plus strand): 5'-CCAGGGGGAAGGGGCAGGGGCCCCGACTCATACCGGTCATCCTGAGTCTGCAGGAATTTC[C>A]GGACGAGCAGCTTAATTCTAGTGATGTTCCGCCCCACCTGGAGGACGGAGCCATTCTCCT-3'
Protein context (NP_000190.1, residues 150-170): RNITRIKLLV[Arg160Leu]KFLQTQDDRP